The following is an entry in ClinVar:

ClinVar aggregate classification (germline): Benign/Likely benign. Review status: criteria provided, multiple submitters, no conflicts (2 of 4 stars). 3 submissions from 3 submitters: Benign (1); Likely benign (2). Last evaluated 2026-02-04.

Conditions:
Retinitis pigmentosa (RP). Identifiers: Orphanet 791, MedGen C0035334, MeSH D012174, MONDO:0019200, OMIM 268000. Inheritance: Autosomal dominant, autosomal recessive and X linked inheritance.

Allele frequency attached by ClinVar (database versions not stated): gnomAD exomes 0.03009 and 0.03366; 1000 Genomes Project 30x 0.01046; 1000 Genomes Project 0.01198; TOPMed 0.02192; ESP Exome Variant Server 0.02581; gnomAD 0.02796 and 0.02990; ExAC 0.02920.
gnomAD v4.1: 53,114 of 1,614,196 alleles (3.3%); highest among the groups gnomAD compares: Non-Finnish European, 3.6%; 1,309 homozygotes.

Submissions (3):

Labcorp Genetics (formerly Invitae), Labcorp
Classification: Benign. Last evaluated: 2026-02-04. Review status: criteria provided, single submitter. Criteria: Invitae Variant Classification Sherloc (09022015). Collection method: clinical testing. Allele origin: germline.

Illumina Laboratory Services, Illumina
Classification: Likely benign for Retinitis pigmentosa. Last evaluated: 2018-01-13. Review status: criteria provided, single submitter. Criteria: ICSL Variant Classification Criteria 13 December 2019. Collection method: clinical testing. Allele origin: germline.
Comment: This variant was observed in the ICSL laboratory as part of a predisposition screen in an ostensibly healthy population. It had not been previously curated by ICSL or reported in the Human Gene Mutation Database (HGMD: prior to June 1st, 2018), and was therefore a candidate for classification through an automated scoring system. Utilizing variant allele frequency, disease prevalence and penetrance estimates, and inheritance mode, an automated score was calculated to assess if this variant is too frequent to cause the disease. Based on the score and internal cut-off values, a variant classified as likely benign is not then subjected to further curation. The score for this variant resulted in a classification of likely benign for this disease.

Breakthrough Genomics
Classification: Likely benign. Review status: criteria provided, single submitter. Criteria: ACMG Guidelines, 2015. Collection method: not provided. Allele origin: germline. Inheritance: Autosomal recessive inheritance. Affected: yes.

NM_001297.5(CNGB1):c.2517T>C (p.Ala839=)

Gene: CNGB1 (cyclic nucleotide gated channel subunit beta 1; minus strand). Cytogenetic location: 16q21.
Variant type: single nucleotide variant.
Coding change: c.2517T>C on transcript NM_001297.5 (MANE Select); coding-DNA position 2517, T replaced by C.
Protein change: p.Ala839=; no amino-acid change (alanine 839 retained).
Molecular consequence: synonymous variant.
Genome position (GRCh38, 1-based): chr16:57,904,851, A>G on the plus strand (T>C on the coding strand, the complement: CNGB1 is on the minus strand). VCF-style: chr16-57904851-A-G. GRCh37 (hg19) VCF-style: chr16-57938755-A-G.
Other names: c.2499T>C, p.Ala833= (NM_001286130.2).
Identifiers: ClinVar variation 320075 (VCV000320075.14), dbSNP rs17821412, ClinGen allele CA8082947.